The following is an entry in ClinVar:

NM_025137.4(SPG11):c.6263C>T (p.Thr2088Ile)

Gene: SPG11 (SPG11 vesicle trafficking associated, spatacsin; minus strand). Cytogenetic location: 15q21.1.
Variant type: single nucleotide variant.
Coding change: c.6263C>T on transcript NM_025137.4 (MANE Select); coding-DNA position 6263, C replaced by T.
Protein change: p.Thr2088Ile; replaces threonine 2088 with isoleucine.
Molecular consequence: missense variant.
Genome position (GRCh38, 1-based): chr15:44,572,763, G>A on the plus strand (C>T on the coding strand, the complement: SPG11 is on the minus strand). VCF-style: chr15-44572763-G-A. GRCh37 (hg19) VCF-style: chr15-44864961-G-A.
Other names: c.5924C>T, p.Thr1975Ile (NM_001160227.2); short protein forms T1975I, T2088I.
Identifiers: ClinVar variation 1022226 (VCV001022226.6), dbSNP rs1283621415, ClinGen allele CA392217380.

ClinVar aggregate classification (germline): Uncertain significance (1 of 4 stars; one submission).

Conditions:
Hereditary spastic paraplegia 11. Also called: Nakamura Osame syndrome; Autosomal recessive hereditary spastic paraplegia, mental impairment, and thin corpus callosum; Spastic Paraplegia 11; Spastic paraplegia, mental retardation and thin corpus callosum; SPASTIC PARAPLEGIA, AUTOSOMAL RECESSIVE, COMPLICATED, WITH THIN CORPUS CALLOSUM; SPASTIC PARAPLEGIA, AUTOSOMAL RECESSIVE, WITH MENTAL IMPAIRMENT AND THIN CORPUS CALLOSUM. Identifiers: Orphanet 2822, MedGen C1858479, MONDO:0011445, OMIM 604360.

Allele frequency attached by ClinVar (database versions not stated): gnomAD exomes below 0.00001; TOPMed below 0.00001.
gnomAD v4.1: 1 of 1,614,054 alleles (0.000062%); highest among the groups gnomAD compares: African/African-American, 0.0013%; no homozygotes.

Submission:

Labcorp Genetics (formerly Invitae), Labcorp
Classification: Uncertain significance for Hereditary spastic paraplegia 11. Last evaluated: 2021-08-27. Review status: criteria provided, single submitter. Criteria: Invitae Variant Classification Sherloc (09022015). Collection method: clinical testing. Allele origin: germline.
Comment: This sequence change replaces threonine with isoleucine at codon 2088 of the SPG11 protein (p.Thr2088Ile). The threonine residue is weakly conserved and there is a moderate physicochemical difference between threonine and isoleucine. This variant is not present in population databases (ExAC no frequency). This variant has not been reported in the literature in individuals affected with SPG11-related conditions. Algorithms developed to predict the effect of missense changes on protein structure and function (SIFT, PolyPhen-2, Align-GVGD) all suggest that this variant is likely to be tolerated. In summary, the available evidence is currently insufficient to determine the role of this variant in disease. Therefore, it has been classified as a Variant of Uncertain Significance.